The following is an entry in ClinVar:

NM_014845.6(FIG4):c.1334G>A (p.Gly445Asp)

Gene: FIG4 (FIG4 phosphoinositide 5-phosphatase; plus strand). Cytogenetic location: 6q21.
Variant type: single nucleotide variant.
Coding change: c.1334G>A on transcript NM_014845.6 (MANE Select); coding-DNA position 1334, G replaced by A.
Protein change: p.Gly445Asp; replaces glycine 445 with aspartic acid.
Molecular consequence: missense variant.
Genome position (GRCh38, 1-based): chr6:109,762,153, G>A. VCF-style: chr6-109762153-G-A. GRCh37 (hg19) VCF-style: chr6-110083356-G-A.
Other names: short protein forms G445D.
Identifiers: ClinVar variation 916872 (VCV000916872.8), dbSNP rs1255518113, ClinGen allele CA365226225.

ClinVar aggregate classification (germline): Uncertain significance. Review status: criteria provided, multiple submitters, no conflicts (2 of 4 stars). 2 submissions from 2 submitters: Uncertain significance (2). Last evaluated 2022-03-02.

Conditions:
Charcot-Marie-Tooth disease. Also called: Charcot-Marie-Tooth Hereditary Neuropathy; Charcot-Marie-Tooth Neuropathy. Identifiers: Orphanet 166, MedGen C0007959, MONDO:0015626.
Charcot-Marie-Tooth disease type 4. Also called: Charcot-Marie-Tooth, Type 4; Charcot-Marie-Tooth disease, type IV. Identifiers: Orphanet 64749, MedGen C4082197, MONDO:0018995.

Allele frequency attached by ClinVar (database versions not stated): gnomAD exomes below 0.00001 and 0.00001; gnomAD 0.00001; TOPMed 0.00001.
gnomAD v4.1: 8 of 1,613,618 alleles (0.0005%); highest among the groups gnomAD compares: African/African-American, 0.0013%; no homozygotes.

Submissions (2):

Labcorp Genetics (formerly Invitae), Labcorp
Classification: Uncertain significance for Charcot-Marie-Tooth disease type 4. Last evaluated: 2022-03-02. Review status: criteria provided, single submitter. Criteria: Invitae Variant Classification Sherloc (09022015). Collection method: clinical testing. Allele origin: germline.
Comment: Algorithms developed to predict the effect of missense changes on protein structure and function (SIFT, PolyPhen-2, Align-GVGD) all suggest that this variant is likely to be disruptive. This sequence change replaces glycine, which is neutral and non-polar, with aspartic acid, which is acidic and polar, at codon 445 of the FIG4 protein (p.Gly445Asp). This variant is present in population databases (no rsID available, gnomAD 0.0009%). This variant has not been reported in the literature in individuals affected with FIG4-related conditions. ClinVar contains an entry for this variant (Variation ID: 916872). In summary, the available evidence is currently insufficient to determine the role of this variant in disease. Therefore, it has been classified as a Variant of Uncertain Significance.

Molecular Genetics Laboratory, London Health Sciences Centre
Classification: Uncertain significance for Charcot-Marie-Tooth disease. Review status: criteria provided, single submitter. Criteria: ACMG Guidelines, 2015. Collection method: clinical testing. Allele origin: germline. Affected: yes.